The following is an entry in ClinVar:

NM_001040716.2(PC):c.718G>A (p.Glu240Lys)

Gene: PC (pyruvate carboxylase; minus strand). Cytogenetic location: 11q13.2.
Variant type: single nucleotide variant.
Coding change: c.718G>A on transcript NM_001040716.2 (MANE Select); coding-DNA position 718, G replaced by A.
Protein change: p.Glu240Lys; replaces glutamic acid 240 with lysine.
Molecular consequence: missense variant.
Genome position (GRCh38, 1-based): chr11:66,870,808, C>T on the plus strand (G>A on the coding strand, the complement: PC is on the minus strand). VCF-style: chr11-66870808-C-T. GRCh37 (hg19) VCF-style: chr11-66638279-C-T.
Other names: c.718G>A, p.Glu240Lys (NM_000920.4, NM_022172.3); short protein forms E240K.
Identifiers: ClinVar variation 3706538 (VCV003706538.2).

ClinVar aggregate classification (germline): Uncertain significance (1 of 4 stars; one submission).

Conditions:
Pyruvate carboxylase deficiency. Also called: Pyruvate Carboxylase Deficiency Disease; ATAXIA WITH LACTIC ACIDOSIS II; LEIGH NECROTIZING ENCEPHALOPATHY DUE TO PYRUVATE CARBOXYLASE DEFICIENCY; LEIGH SYNDROME DUE TO PYRUVATE CARBOXYLASE DEFICIENCY; PC DEFICIENCY. Identifiers: Orphanet 3008, MedGen C0034341, MONDO:0009949, OMIM 266150.

Submission:

Labcorp Genetics (formerly Invitae), Labcorp
Classification: Uncertain significance for Pyruvate carboxylase deficiency. Last evaluated: 2025-11-17. Review status: criteria provided, single submitter. Criteria: Invitae Variant Classification Sherloc (09022015). Collection method: clinical testing. Allele origin: germline.
Comment: This sequence change replaces glutamic acid, which is acidic and polar, with lysine, which is basic and polar, at codon 240 of the PC protein (p.Glu240Lys). This variant is present in population databases (rs758863789, gnomAD 0.006%). This variant has not been reported in the literature in individuals affected with PC-related conditions. ClinVar contains an entry for this variant (Variation ID: 3706538). Invitae Evidence Modeling of protein sequence and biophysical properties (such as structural, functional, and spatial information, amino acid conservation, physicochemical variation, residue mobility, and thermodynamic stability) has been performed for this missense variant. However, the output from this modeling did not meet the statistical confidence thresholds required to predict the impact of this variant on PC protein function. In summary, the available evidence is currently insufficient to determine the role of this variant in disease. Therefore, it has been classified as a Variant of Uncertain Significance.